The following is an entry in ClinVar:

ClinVar aggregate classification (germline): Uncertain significance. Review status: criteria provided, multiple submitters, no conflicts (2 of 4 stars). 3 submissions from 3 submitters: Uncertain significance (3). Last evaluated 2025-07-14.

Conditions:
Inborn genetic diseases. Identifiers: MedGen C0950123, MeSH D030342.
Familial temporal lobe epilepsy 7. Identifiers: Orphanet 101046, MedGen C4225327, MONDO:0014639, OMIM 616436.
Norman-Roberts syndrome (LIS2). Also called: Lissencephaly 2 (Norman-Roberts type). Identifiers: Orphanet 89844, MedGen C0796089, MONDO:0009760, OMIM 257320.

Allele frequency attached by ClinVar (database versions not stated): TOPMed 0.00002.
gnomAD v4.1: 33 of 1,614,060 alleles (0.002%); highest among the groups gnomAD compares: African/African-American, 0.0067%; no homozygotes.

Submissions (3):

Labcorp Genetics (formerly Invitae), Labcorp
Classification: Uncertain significance for Familial temporal lobe epilepsy 7; Norman-Roberts syndrome. Last evaluated: 2025-07-14. Review status: criteria provided, single submitter. Criteria: Invitae Variant Classification Sherloc (09022015). Collection method: clinical testing. Allele origin: germline.
Comment: This sequence change replaces arginine, which is basic and polar, with histidine, which is basic and polar, at codon 2285 of the RELN protein (p.Arg2285His). This variant is present in population databases (rs116394157, gnomAD 0.006%). This variant has not been reported in the literature in individuals affected with RELN-related conditions. ClinVar contains an entry for this variant (Variation ID: 1045414). Invitae Evidence Modeling of protein sequence and biophysical properties (such as structural, functional, and spatial information, amino acid conservation, physicochemical variation, residue mobility, and thermodynamic stability) indicates that this missense variant is not expected to disrupt RELN protein function with a negative predictive value of 80%. In summary, the available evidence is currently insufficient to determine the role of this variant in disease. Therefore, it has been classified as a Variant of Uncertain Significance.

Ambry Genetics
Classification: Uncertain significance for Inborn genetic diseases. Last evaluated: 2024-11-12. Review status: criteria provided, single submitter. Criteria: Ambry Variant Classification Scheme 2023. Collection method: clinical testing. Allele origin: germline.

Blueprint Genetics
Classification: Uncertain significance. Last evaluated: 2019-09-25. Review status: criteria provided, single submitter. Criteria: ACMG Guidelines, 2015. Collection method: clinical testing. Allele origin: germline.

NM_005045.4(RELN):c.6854G>A (p.Arg2285His)

Gene: RELN (reelin; minus strand). Cytogenetic location: 7q22.1.
Variant type: single nucleotide variant.
Coding change: c.6854G>A on transcript NM_005045.4 (MANE Select); coding-DNA position 6854, G replaced by A.
Protein change: p.Arg2285His; replaces arginine 2285 with histidine.
Molecular consequence: missense variant.
Genome position (GRCh38, 1-based): chr7:103,540,273, C>T on the plus strand (G>A on the coding strand, the complement: RELN is on the minus strand). VCF-style: chr7-103540273-C-T. GRCh37 (hg19) VCF-style: chr7-103180720-C-T.
Other names: c.6854G>A, p.Arg2285His (NM_173054.3); c.6854G>A (NM_005045.3); short protein forms R2285H.
Identifiers: ClinVar variation 1045414 (VCV001045414.10), dbSNP rs116394157, ClinGen allele CA4420870.